The following is an entry in ClinVar:

NM_058216.3(RAD51C):c.75G>A (p.Val25=)

Gene: RAD51C (RAD51 paralog C; plus strand). Cytogenetic location: 17q22.
Variant type: single nucleotide variant.
Coding change: c.75G>A on transcript NM_058216.3 (MANE Select); coding-DNA position 75, G replaced by A.
Protein change: p.Val25=; no amino-acid change (valine 25 retained).
Molecular consequence: synonymous variant. On other transcripts: non-coding transcript variant (1).
Genome position (GRCh38, 1-based): chr17:58,692,718, G>A. VCF-style: chr17-58692718-G-A. GRCh37 (hg19) VCF-style: chr17-56770079-G-A.
Other names: c.75G>A, p.Val25= (NM_002876.4).
Identifiers: ClinVar variation 231659 (VCV000231659.16), dbSNP rs779332818, ClinGen allele CA8677140.

ClinVar aggregate classification (germline): Benign/Likely benign. Review status: criteria provided, multiple submitters, no conflicts (2 of 4 stars). 4 submissions from 4 submitters: Benign (1); Likely benign (3). Last evaluated 2025-07-07.

Conditions:
Hereditary cancer-predisposing syndrome. Also called: Hereditary Cancer Syndrome; Neoplastic Syndromes, Hereditary; Tumor predisposition; Hereditary neoplastic syndrome. Identifiers: Orphanet 140162, MedGen C0027672, MeSH D009386, MONDO:0015356.
Fanconi anemia complementation group O. Also called: RAD51C-Related Fanconi Anemia. Identifiers: Orphanet 84, MedGen C3150653, MONDO:0013248, OMIM 613390.
Breast-ovarian cancer, familial, susceptibility to, 3. Also called: RAD51C-Related Breast/Ovarian Cancer. Identifiers: Orphanet 145, MedGen C3150659, MONDO:0013253, OMIM 613399.

Allele frequency attached by ClinVar (database versions not stated): gnomAD exomes 0.00001 and below 0.00001; ExAC 0.00002.
gnomAD v4.1: 6 of 1,614,254 alleles (0.00037%); highest among the groups gnomAD compares: Non-Finnish European, 0.00051%; no homozygotes.

Submissions (4):

Labcorp Genetics (formerly Invitae), Labcorp
Classification: Likely benign for Fanconi anemia complementation group O. Last evaluated: 2025-07-07. Review status: criteria provided, single submitter. Criteria: Invitae Variant Classification Sherloc (09022015). Collection method: clinical testing. Allele origin: germline.

Myriad Genetics, Inc.
Classification: Benign for Breast-ovarian cancer, familial, susceptibility to, 3. Last evaluated: 2025-02-14. Review status: criteria provided, single submitter. Criteria: Myriad Autosomal Dominant, Autosomal Recessive and X-Linked Classification Criteria (2023). Collection method: clinical testing. Allele origin: unknown.
Comment: This variant is considered benign. This variant is a silent/synonymous amino acid change and it is not expected to impact splicing.

Color Diagnostics, LLC DBA Color Health
Classification: Likely benign for Hereditary cancer-predisposing syndrome. Last evaluated: 2018-01-29. Review status: criteria provided, single submitter. Criteria: ACMG Guidelines, 2015. Collection method: clinical testing. Allele origin: germline.

Ambry Genetics
Classification: Likely benign for Hereditary cancer-predisposing syndrome. Last evaluated: 2015-05-05. Review status: criteria provided, single submitter. Criteria: Ambry Variant Classification Scheme 2023. Collection method: clinical testing. Allele origin: germline.